The following is an entry in ClinVar:

ClinVar aggregate classification (germline): Uncertain significance (1 of 4 stars; one submission).

gnomAD v4.1: 17 of 1,614,040 alleles (0.0011%); highest among the groups gnomAD compares: Admixed American, 0.027%; no homozygotes.

Submission:

Labcorp Genetics (formerly Invitae), Labcorp
Classification: Uncertain significance. Last evaluated: 2025-11-12. Review status: criteria provided, single submitter. Criteria: Invitae Variant Classification Sherloc (09022015). Collection method: clinical testing. Allele origin: germline.
Comment: This sequence change replaces serine, which is neutral and polar, with proline, which is neutral and non-polar, at codon 152 of the RORB protein (p.Ser152Pro). This variant is present in population databases (no rsID available, gnomAD 0.01%). This variant has not been reported in the literature in individuals affected with RORB-related conditions. ClinVar contains an entry for this variant (Variation ID: 1906237). An algorithm developed to predict the effect of missense changes on protein structure and function (PolyPhen-2) suggests that this variant is likely to be tolerated. In summary, the available evidence is currently insufficient to determine the role of this variant in disease. Therefore, it has been classified as a Variant of Uncertain Significance.

NM_006914.4(RORB):c.454T>C (p.Ser152Pro)

Gene: RORB (RAR related orphan receptor B; plus strand). Cytogenetic location: 9q21.13.
Variant type: single nucleotide variant.
Coding change: c.454T>C on transcript NM_006914.4 (MANE Select); coding-DNA position 454, T replaced by C.
Protein change: p.Ser152Pro; replaces serine 152 with proline.
Molecular consequence: missense variant.
Genome position (GRCh38, 1-based): chr9:74,642,632, T>C. VCF-style: chr9-74642632-T-C. GRCh37 (hg19) VCF-style: chr9-77257548-T-C.
Other names: c.487T>C, p.Ser163Pro (NM_001365023.1); short protein forms S152P, S163P.
Identifiers: ClinVar variation 1906237 (VCV001906237.5), dbSNP rs1168363417, ClinGen allele CA373769890.
Genomic context (GRCh38, chr9:74,642,632, plus strand): 5'-AACCTGAACAACGAGACCAGCGGCACTTATGCCAACGGGCACGTCATTGACCTGCCCAAG[T>C]CTGAGGGTTATTACAACGTCGATTCCGGTCAGCCGTCCCCTGATCAGTCAGGACTTGACA-3'
Protein context (NP_008845.2, residues 142-162): ANGHVIDLPK[Ser152Pro]EGYYNVDSGQ